The following is an entry in ClinVar:

ClinVar aggregate classification (germline): Likely benign. Review status: criteria provided, multiple submitters, no conflicts (2 of 4 stars). 6 submissions from 6 submitters: Likely benign (6). Last evaluated 2026-01-26.

Conditions:
Cardiovascular phenotype. Identifiers: MedGen CN230736.
Catecholaminergic polymorphic ventricular tachycardia (CVPT). Also called: Catecholamine-induced polymorphic ventricular tachycardia. Identifiers: Orphanet 3286, MedGen C5574922, MONDO:0017990.
Catecholaminergic polymorphic ventricular tachycardia 1. Also called: RYR2-Related Catecholaminergic Polymorphic Ventricular Tachycardia; VENTRICULAR TACHYCARDIA, STRESS-INDUCED POLYMORPHIC 1; VENTRICULAR TACHYCARDIA, CATECHOLAMINERGIC POLYMORPHIC, 1, WITH OR WITHOUT ATRIAL DYSFUNCTION AND/OR DILATED CARDIOMYOPATHY. Identifiers: Orphanet 3286, MedGen C1631597, MONDO:0011484, OMIM 604772.

Allele frequency attached by ClinVar (database versions not stated): gnomAD exomes below 0.00001 and 0.00001; ExAC 0.00002; gnomAD 0.00005 and 0.00007; TOPMed 0.00006.
gnomAD v4.1: 14 of 1,537,614 alleles (0.00091%); highest among the groups gnomAD compares: African/African-American, 0.019%; 1 homozygote.

Submissions (6):

Labcorp Genetics (formerly Invitae), Labcorp
Classification: Likely benign for Catecholaminergic polymorphic ventricular tachycardia 1. Last evaluated: 2026-01-26. Review status: criteria provided, single submitter. Criteria: Invitae Variant Classification Sherloc (09022015). Collection method: clinical testing. Allele origin: germline.

Women's Health and Genetics/Laboratory Corporation of America, LabCorp
Classification: Likely benign. Last evaluated: 2024-12-06. Review status: criteria provided, single submitter. Criteria: LabCorp Variant Classification Summary - May 2015. Collection method: clinical testing. Allele origin: germline.

All of Us Research Program, National Institutes of Health
Classification: Likely benign for Catecholaminergic polymorphic ventricular tachycardia. Last evaluated: 2024-01-11. Review status: criteria provided, single submitter. Criteria: ACMG Guidelines, 2015. Collection method: clinical testing. Allele origin: germline. Inheritance: Autosomal dominant inheritance. Observed: 3 variant alleles, 3 heterozygotes.
Comment: This study involves interpretation of variants in research participants for the purpose of population health screening. Participant phenotype was not available at the time of variant classification. Additional details can be found in publication PMID: 35346344, PMCID: PMC8962531

Ambry Genetics
Classification: Likely benign for Cardiovascular phenotype. Last evaluated: 2021-10-21. Review status: criteria provided, single submitter. Criteria: Ambry Variant Classification Scheme 2023. Collection method: clinical testing. Allele origin: germline.

GeneDx
Classification: Likely benign. Last evaluated: 2016-12-05. Review status: criteria provided, single submitter. Criteria: GeneDx Variant Classification (06012015). Collection method: clinical testing. Allele origin: germline. Affected: yes.
Comment: This variant is considered likely benign or benign based on one or more of the following criteria: it is a conservative change, it occurs at a poorly conserved position in the protein, it is predicted to be benign by multiple in silico algorithms, and/or has population frequency not consistent with disease.

Laboratory for Molecular Medicine, Mass General Brigham Personalized Medicine
Classification: Likely benign. Last evaluated: 2014-04-01. Review status: criteria provided, single submitter. Criteria: LMM Criteria. Collection method: clinical testing. Allele origin: germline. Observed: 1 variant allele.
Comment: Leu3431Leu in exon 71 of RYR2: This variant is not expected to have clinical sig nificance because it does not alter an amino acid residue and is not located wit hin the splice consensus sequence.

NM_001035.3(RYR2):c.10293T>C (p.Leu3431=)

Gene: RYR2 (ryanodine receptor 2; plus strand). Cytogenetic location: 1q43.
Variant type: single nucleotide variant.
Coding change: c.10293T>C on transcript NM_001035.3 (MANE Select); coding-DNA position 10293, T replaced by C.
Protein change: p.Leu3431=; no amino-acid change (leucine 3431 retained).
Molecular consequence: synonymous variant.
Genome position (GRCh38, 1-based): chr1:237,711,807, T>C. VCF-style: chr1-237711807-T-C. GRCh37 (hg19) VCF-style: chr1-237875107-T-C.
Identifiers: ClinVar variation 179693 (VCV000179693.19), dbSNP rs727505058, ClinGen allele CA006602.